The following is an entry in ClinVar:

ClinVar aggregate classification (germline): Pathogenic (1 of 4 stars; one submission).

Conditions:
Hereditary cancer-predisposing syndrome. Also called: Tumor predisposition; Hereditary neoplastic syndrome; Hereditary Cancer Syndrome; Neoplastic Syndromes, Hereditary. Identifiers: Orphanet 140162, MedGen C0027672, MeSH D009386, MONDO:0015356.

Submission:

Ambry Genetics
Classification: Pathogenic for Hereditary cancer-predisposing syndrome. Last evaluated: 2025-05-26. Review status: criteria provided, single submitter. Criteria: Ambry Variant Classification Scheme 2023. Collection method: clinical testing. Allele origin: germline.
Comment: The c.5153delT pathogenic mutation, located in coding exon 33 of the ATM gene, results from a deletion of one nucleotide at nucleotide position 5153, causing a translational frameshift with a predicted alternate stop codon (p.L1718Rfs*6). This variant is considered to be rare based on population cohorts in the Genome Aggregation Database (gnomAD). This alteration is expected to result in loss of function by premature protein truncation or nonsense-mediated mRNA decay. As such, this alteration is interpreted as a disease-causing mutation.

NM_000051.4(ATM):c.5153del (p.Leu1718fs)

Gene: ATM (ATM serine/threonine kinase; plus strand). Cytogenetic location: 11q22.3.
Variant type: Deletion.
Coding change: c.5153del on transcript NM_000051.4 (MANE Select); coding-DNA position 5153, one base deleted (T; older notation c.5153delT).
Protein change: p.Leu1718fs; shifts the reading frame from leucine 1718.
Molecular consequence: frameshift variant.
Genome position (GRCh38, 1-based): chr11:108,299,861, T deleted. VCF-style (leftmost placement, unchanged base first): chr11-108299860-CT-C. GRCh37 (hg19) VCF-style: chr11-108170587-CT-C.
Other names: c.5153del, p.Leu1718fs (NM_001351834.2); short protein forms L1718fs.
Identifiers: ClinVar variation 3967352 (VCV003967352.1).